The following is an entry in ClinVar:

ClinVar aggregate classification (germline): Pathogenic. Review status: criteria provided, single submitter (1 of 4 stars). 2 submissions from 2 submitters: Pathogenic (1). 1 of the submissions does not count toward it. Last evaluated 2023-10-01.

Conditions:
Retinal dystrophy. Also called: Inherited retinal dystrophy. Identifiers: Orphanet 71862, MedGen C0854723, MeSH D058499, MONDO:0019118, HP:0000556.

Submissions (2):

Dept Of Ophthalmology, Nagoya University
Classification: Pathogenic for Retinal dystrophy. Last evaluated: 2023-10-01. Review status: criteria provided, single submitter. Criteria: Submitter's publication. Collection method: research. Allele origin: germline. Affected: yes.

Leiden Open Variation Database
Classification: Likely pathogenic. Last evaluated: 2021-04-06. Review status: no assertion criteria provided. Collection method: curation. Allele origin: germline. Affected: yes. Not counted in ClinVar's aggregate classification.
Comment: Curator: Global Variome, with Curator vacancy. Submitters to LOVD: Manon Peeters, Yoshito Koyanagi.

Literature cited by the submitters: PubMed 29630435 (cited by Leiden Open Variation Database); PubMed 29844330 (cited by Leiden Open Variation Database); PubMed 31213501 (cited by Leiden Open Variation Database).

NM_000322.5(PRPH2):c.748T>G (p.Cys250Gly)

Gene: PRPH2 (peripherin 2; minus strand). Cytogenetic location: 6p21.1.
Variant type: single nucleotide variant.
Coding change: c.748T>G on transcript NM_000322.5 (MANE Select); coding-DNA position 748, T replaced by G.
Protein change: p.Cys250Gly; replaces cysteine 250 with glycine.
Molecular consequence: missense variant.
Genome position (GRCh38, 1-based): chr6:42,704,445, A>C on the plus strand (T>G on the coding strand, the complement: PRPH2 is on the minus strand). VCF-style: chr6-42704445-A-C. GRCh37 (hg19) VCF-style: chr6-42672183-A-C.
Other names: short protein forms C250G.
Identifiers: ClinVar variation 1175296 (VCV001175296.2), dbSNP rs1064793931, ClinGen allele CA364134982.